The following is an entry in ClinVar:

NM_032634.4(PIGO):c.1363A>G (p.Thr455Ala)

Gene: PIGO (phosphatidylinositol glycan anchor biosynthesis class O; minus strand). Cytogenetic location: 9p13.3.
Variant type: single nucleotide variant.
Coding change: c.1363A>G on transcript NM_032634.4 (MANE Select); coding-DNA position 1363, A replaced by G.
Protein change: p.Thr455Ala; replaces threonine 455 with alanine.
Molecular consequence: missense variant. On other transcripts: intron variant (2).
Genome position (GRCh38, 1-based): chr9:35,092,524, T>C on the plus strand (A>G on the coding strand, the complement: PIGO is on the minus strand). VCF-style: chr9-35092524-T-C. GRCh37 (hg19) VCF-style: chr9-35092521-T-C.
Other names: c.1344+19A>G (NM_152850.4, NM_001201484.2); short protein forms T455A.
Identifiers: ClinVar variation 577494 (VCV000577494.7), dbSNP rs766309374, ClinGen allele CA5040648.

ClinVar aggregate classification (germline): Uncertain significance (1 of 4 stars; one submission).

Conditions:
Hyperphosphatasia with impaired intellectual development syndrome 2. Also called: Hyperphosphatasia with intellectual disability syndrome 2; GLYCOSYLPHOSPHATIDYLINOSITOL BIOSYNTHESIS DEFECT 6. Identifiers: Orphanet 247262, MedGen C3553637, MONDO:0013882, OMIM 614749.

Allele frequency attached by ClinVar (database versions not stated): TOPMed below 0.00001; ExAC 0.00001; gnomAD exomes 0.00001 and 0.00003.
gnomAD v4.1: 38 of 1,614,138 alleles (0.0024%); highest among the groups gnomAD compares: Non-Finnish European, 0.0031%; no homozygotes.

Submission:

Labcorp Genetics (formerly Invitae), Labcorp
Classification: Uncertain significance for Hyperphosphatasia with impaired intellectual development syndrome 2. Last evaluated: 2020-10-09. Review status: criteria provided, single submitter. Criteria: Invitae Variant Classification Sherloc (09022015). Collection method: clinical testing. Allele origin: germline.
Comment: In summary, the available evidence is currently insufficient to determine the role of this variant in disease. Therefore, it has been classified as a Variant of Uncertain Significance. Algorithms developed to predict the effect of missense changes on protein structure and function output the following: SIFT: "Tolerated"; PolyPhen-2: "Benign"; Align-GVGD: "Class C0". The alanine amino acid residue is found in multiple mammalian species, suggesting that this missense change does not adversely affect protein function. These predictions have not been confirmed by published functional studies and their clinical significance is uncertain. This variant has not been reported in the literature in individuals with PIGO-related disease. This variant is present in population databases (rs766309374, ExAC 0.002%). This sequence change replaces threonine with alanine at codon 455 of the PIGO protein (p.Thr455Ala). The threonine residue is weakly conserved and there is a small physicochemical difference between threonine and alanine.